The following is an entry in ClinVar:

NM_000138.5(FBN1):c.8435T>C (p.Ile2812Thr)

Gene: FBN1 (fibrillin 1; minus strand). Cytogenetic location: 15q21.1.
Variant type: single nucleotide variant.
Coding change: c.8435T>C on transcript NM_000138.5 (MANE Select); coding-DNA position 8435, T replaced by C.
Protein change: p.Ile2812Thr; replaces isoleucine 2812 with threonine.
Molecular consequence: missense variant.
Genome position (GRCh38, 1-based): chr15:48,411,171, A>G on the plus strand (T>C on the coding strand, the complement: FBN1 is on the minus strand). VCF-style: chr15-48411171-A-G. GRCh37 (hg19) VCF-style: chr15-48703368-A-G.
Other names: c.8435T>C (NM_000138.4); short protein forms I2812T.
Identifiers: ClinVar variation 1433719 (VCV001433719.8), dbSNP rs2042858844, ClinGen allele CA392319068.

ClinVar aggregate classification (germline): Uncertain significance. Review status: criteria provided, multiple submitters, no conflicts (2 of 4 stars). 3 submissions from 3 submitters: Uncertain significance (3). Last evaluated 2025-11-24.

Conditions:
Familial thoracic aortic aneurysm and aortic dissection (TAAD). Also called: Thoracic aortic aneurysms and dissections. Identifiers: Orphanet 91387, MedGen C4707243, MONDO:0019625.
Marfan syndrome (MFS). Also called: MARFAN SYNDROME, TYPE I; Marfan syndrome type 1; Marfan's syndrome; Marfan syndrome, classic; FBN1-Related Marfan Syndrome. Identifiers: Orphanet 284963, Orphanet 558, MedGen C0024796, MONDO:0007947, OMIM 154700.

Allele frequency attached by ClinVar (database versions not stated): TOPMed below 0.00001; gnomAD exomes below 0.00001.
gnomAD v4.1: 2 of 1,614,090 alleles (0.00012%); highest among the groups gnomAD compares: Non-Finnish European, 0.00017%; no homozygotes.

Submissions (3):

Labcorp Genetics (formerly Invitae), Labcorp
Classification: Uncertain significance for Marfan syndrome; Familial thoracic aortic aneurysm and aortic dissection. Last evaluated: 2025-11-24. Review status: criteria provided, single submitter. Criteria: Invitae Variant Classification Sherloc (09022015). Collection method: clinical testing. Allele origin: germline.
Comment: This sequence change replaces isoleucine, which is neutral and non-polar, with threonine, which is neutral and polar, at codon 2812 of the FBN1 protein (p.Ile2812Thr). This variant is not present in population databases (gnomAD no frequency). This variant has not been reported in the literature in individuals affected with FBN1-related conditions. ClinVar contains an entry for this variant (Variation ID: 1433719). Invitae Evidence Modeling of protein sequence and biophysical properties (such as structural, functional, and spatial information, amino acid conservation, physicochemical variation, residue mobility, and thermodynamic stability) indicates that this missense variant is not expected to disrupt FBN1 protein function with a negative predictive value of 95%. In summary, the available evidence is currently insufficient to determine the role of this variant in disease. Therefore, it has been classified as a Variant of Uncertain Significance.

Color Diagnostics, LLC DBA Color Health
Classification: Uncertain significance for Familial thoracic aortic aneurysm and aortic dissection. Last evaluated: 2025-07-25. Review status: criteria provided, single submitter. Criteria: ACMG Guidelines, 2015. Collection method: clinical testing. Allele origin: germline.
Comment: This missense variant replaces isoleucine with threonine at codon 2812 of the FBN1 protein. Computational prediction is inconclusive regarding the impact of this variant on protein structure and function. To our knowledge, functional studies have not been reported for this variant. This variant has not been reported in individuals affected with FBN1-related disorders in the literature. This variant has not been identified in the general population by the Genome Aggregation Database (gnomAD). The available evidence is insufficient to determine the role of this variant in disease conclusively. Therefore, this variant is classified as a Variant of Uncertain Significance.

GeneDx
Classification: Uncertain significance. Last evaluated: 2025-03-07. Review status: criteria provided, single submitter. Criteria: GeneDx Variant Classification Process June 2021. Collection method: clinical testing. Allele origin: germline. Affected: yes.
Comment: Has not been previously published as pathogenic or benign to our knowledge; Not observed at significant frequency in large population cohorts (gnomAD); In silico analysis indicates that this missense variant does not alter protein structure/function; Does not affect a cysteine or calcium-binding residue within an EGF-like domain or a TGF-binding protein domain of the FBN1 gene; cysteine substitutions in the EGF-like domains represent the majority of pathogenic missense changes associated with FBN1-related disorders (PMID: 12938084); This variant is associated with the following publications: (PMID: 12938084)